The following is an entry in ClinVar:

NM_198525.3(KIF7):c.3664+1G>A

Genes: KIF7 (kinesin family member 7; minus strand), LOC126862216 (BRD4-independent group 4 enhancer GRCh37_chr15:90171995-90173194; plus strand). Cytogenetic location: 15q26.1.
Variant type: single nucleotide variant.
Coding change: c.3664+1G>A on transcript NM_198525.3 (MANE Select); the canonical splice donor site of the intron after coding-DNA position 3664, G replaced by A.
Molecular consequence: splice donor variant.
Genome position (GRCh38, 1-based): chr15:89,628,975, C>T on the plus strand (G>A on the coding strand, the complement: KIF7 is on the minus strand). VCF-style: chr15-89628975-C-T. GRCh37 (hg19) VCF-style: chr15-90172206-C-T.
Identifiers: ClinVar variation 2070626 (VCV002070626.5), dbSNP rs779849448, ClinGen allele CA7727603.

ClinVar aggregate classification (germline): Uncertain significance. Review status: criteria provided, multiple submitters, no conflicts (2 of 4 stars). 3 submissions from 3 submitters: Uncertain significance (3). Last evaluated 2024-12-26.

Conditions:
Multiple epiphyseal dysplasia, Al-Gazali type. Also called: Macrocephaly with multiple epiphyseal dysplasia and distinctive facies. Identifiers: Orphanet 166024, MedGen C1846722, MONDO:0011778, OMIM 607131.
Hydrolethalus syndrome 2 (HLS2). Identifiers: Orphanet 2189, MedGen C3279899, MONDO:0013585, OMIM 614120.
Acrocallosal syndrome (ACLS). Also called: Schinzel syndrome 1; Absence of corpus callosum with unusual facial appearance, mental deficiency, duplication of the halluces and polydactyly; HALLUX DUPLICATION, POSTAXIAL POLYDACTYLY, AND ABSENCE OF CORPUS CALLOSUM. Identifiers: Orphanet 36, MedGen C0796147, MONDO:0008708, OMIM 200990.

Allele frequency attached by ClinVar (database versions not stated): gnomAD exomes below 0.00001; ExAC 0.00001; gnomAD 0.00001; TOPMed 0.00002.
gnomAD v4.1: 9 of 1,613,748 alleles (0.00056%); highest among the groups gnomAD compares: African/African-American, 0.008%; no homozygotes.

Submissions (3):

Labcorp Genetics (formerly Invitae), Labcorp
Classification: Uncertain significance for Acrocallosal syndrome. Last evaluated: 2024-12-26. Review status: criteria provided, single submitter. Criteria: Invitae Variant Classification Sherloc (09022015). Collection method: clinical testing. Allele origin: germline.
Comment: This sequence change affects a donor splice site in intron 18 of the KIF7 gene. While this variant is not anticipated to result in nonsense mediated decay, it likely alters RNA splicing and results in a disrupted protein product. This variant is present in population databases (rs779849448, gnomAD 0.007%). This variant has not been reported in the literature in individuals affected with KIF7-related conditions. ClinVar contains an entry for this variant (Variation ID: 2070626). Variants that disrupt the consensus splice site are a relatively common cause of aberrant splicing (PMID: 17576681, 9536098). Algorithms developed to predict the effect of sequence changes on RNA splicing suggest that this variant may disrupt the consensus splice site. In summary, the available evidence is currently insufficient to determine the role of this variant in disease. Therefore, it has been classified as a Variant of Uncertain Significance.

Fulgent Genetics
Classification: Uncertain significance for Acrocallosal syndrome; Multiple epiphyseal dysplasia, Al-Gazali type; Hydrolethalus syndrome 2. Last evaluated: 2024-05-01. Review status: criteria provided, single submitter. Criteria: ACMG Guidelines, 2015. Collection method: clinical testing. Allele origin: germline.

Breakthrough Genomics
Classification: Uncertain significance. Review status: criteria provided, single submitter. Criteria: ACMG Guidelines, 2015. Collection method: not provided. Allele origin: germline. Inheritance: Autosomal recessive inheritance. Affected: yes.

Literature cited by the submitters: PubMed 17576681 (cited by Labcorp Genetics (formerly Invitae), Labcorp); PubMed 9536098 (cited by Labcorp Genetics (formerly Invitae), Labcorp).